The following is an entry in ClinVar:

ClinVar aggregate classification (germline): Uncertain significance. Review status: criteria provided, multiple submitters, no conflicts (2 of 4 stars). 2 submissions from 2 submitters: Uncertain significance (2). Last evaluated 2023-04-25.

Conditions:
Inborn genetic diseases. Identifiers: MedGen C0950123, MeSH D030342.
Deficiency of malonyl-CoA decarboxylase. Also called: Malonic aciduria; MCD deficiency. Identifiers: Orphanet 943, MedGen C0342793, MONDO:0009556, OMIM 248360.

Allele frequency attached by ClinVar (database versions not stated): gnomAD exomes below 0.00001; TOPMed below 0.00001; gnomAD 0.00001.
gnomAD v4.1: 3 of 1,521,872 alleles (0.0002%); highest among the groups gnomAD compares: Admixed American, 0.004%; no homozygotes.

Submissions (2):

Ambry Genetics
Classification: Uncertain significance for Inborn genetic diseases. Last evaluated: 2023-04-25. Review status: criteria provided, single submitter. Criteria: Ambry Variant Classification Scheme 2023. Collection method: clinical testing. Allele origin: germline.

Labcorp Genetics (formerly Invitae), Labcorp
Classification: Uncertain significance for Deficiency of malonyl-CoA decarboxylase. Last evaluated: 2022-07-19. Review status: criteria provided, single submitter. Criteria: Invitae Variant Classification Sherloc (09022015). Collection method: clinical testing. Allele origin: germline.
Comment: This sequence change replaces arginine, which is basic and polar, with tryptophan, which is neutral and slightly polar, at codon 176 of the MLYCD protein (p.Arg176Trp). This variant is not present in population databases (gnomAD no frequency). This variant has not been reported in the literature in individuals affected with MLYCD-related conditions. ClinVar contains an entry for this variant (Variation ID: 1345931). Algorithms developed to predict the effect of missense changes on protein structure and function (SIFT, PolyPhen-2, Align-GVGD) all suggest that this variant is likely to be disruptive. In summary, the available evidence is currently insufficient to determine the role of this variant in disease. Therefore, it has been classified as a Variant of Uncertain Significance.

NM_012213.3(MLYCD):c.526C>T (p.Arg176Trp)

Genes: MLYCD (malonyl-CoA decarboxylase; plus strand), LOC130059555 (ATAC-STARR-seq lymphoblastoid silent region 7770; plus strand). Cytogenetic location: 16q23.3.
Variant type: single nucleotide variant.
Coding change: c.526C>T on transcript NM_012213.3 (MANE Select); coding-DNA position 526, C replaced by T.
Protein change: p.Arg176Trp; replaces arginine 176 with tryptophan.
Molecular consequence: missense variant.
Genome position (GRCh38, 1-based): chr16:83,899,670, C>T. VCF-style: chr16-83899670-C-T. GRCh37 (hg19) VCF-style: chr16-83933275-C-T.
Other names: c.526C>T (NM_012213.2); short protein forms R176W.
Identifiers: ClinVar variation 1345931 (VCV001345931.4), dbSNP rs766257090, ClinGen allele CA8197255.
Genomic context (GRCh38, chr16:83,899,670, plus strand): 5'-CAGCTGCGGGCCGACCTGCTGGAGGCGCAGGCCCTCAAGCTGGTGGAGGGGCCGGACGTC[C>T]GGGTAAGGGGCCGCCGTCGATCCCCCGGCAGCGCGGACTGGCCGCCCTCCTCGAGTAGTC-3'
Protein context (NP_036345.2, residues 166-186): ALKLVEGPDV[Arg176Trp]EMNGVLKGML